The following is an entry in ClinVar:

ClinVar aggregate classification (germline): Uncertain significance. Review status: criteria provided, multiple submitters, no conflicts (2 of 4 stars). 7 submissions from 7 submitters: Uncertain significance (5). 2 of the submissions do not count toward it. Last evaluated 2026-09-09.

Conditions:
MYO7A-related disorder. Also called: MYO7A-related disorders.
Autosomal recessive nonsyndromic hearing loss 2. Also called: DEAFNESS, AUTOSOMAL RECESSIVE 2; NEUROSENSORY NONSYNDROMIC RECESSIVE DEAFNESS 2. Identifiers: Orphanet 90636, MedGen C1838701, MONDO:0010807, OMIM 600060.
Usher syndrome type 1 (USH1). Also called: RETINITIS PIGMENTOSA AND CONGENITAL DEAFNESS. Identifiers: Orphanet 231169, Orphanet 886, MedGen C1568247, MONDO:0010168, OMIM 276900.
Usher syndrome type 1B (USH1B). Also called: Usher syndrome type IB. Identifiers: MedGen C1848638, MONDO:0700087.

Allele frequency attached by ClinVar (database versions not stated): TOPMed 0.00002; gnomAD 0.00003; ExAC 0.00006.
gnomAD v4.1: 25 of 1,592,984 alleles (0.0016%); highest among the groups gnomAD compares: East Asian, 0.0068%; no homozygotes.

Submissions (7):

PreventionGenetics, part of Exact Sciences
Classification: Uncertain significance for MYO7A-related condition. Last evaluated: 2026-09-09. Review status: criteria provided, single submitter. Criteria: ACMG Guidelines, 2015. Collection method: clinical testing. Allele origin: germline.
Comment: The MYO7A c.6092G>A variant is predicted to result in the amino acid substitution p.Arg2031Gln. This variant was reported in an individual with hearing loss without a second potentially causative MYO7A variant identified (Table S1, Han et al. 2019. PubMed ID: 30733538). This variant is reported in 0.019% of alleles in individuals of East Asian descent in gnomAD. At this time, the clinical significance of this variant is uncertain due to the absence of conclusive functional and genetic evidence.

Labcorp Genetics (formerly Invitae), Labcorp
Classification: Uncertain significance. Last evaluated: 2024-10-22. Review status: criteria provided, single submitter. Criteria: Invitae Variant Classification Sherloc (09022015). Collection method: clinical testing. Allele origin: germline.
Comment: This sequence change replaces arginine, which is basic and polar, with glutamine, which is neutral and polar, at codon 2031 of the MYO7A protein (p.Arg2031Gln). The frequency data for this variant in the population databases is considered unreliable, as metrics indicate poor data quality at this position in the gnomAD database. This missense change has been observed in individual(s) with deafness (PMID: 30733538). ClinVar contains an entry for this variant (Variation ID: 229010). Invitae Evidence Modeling of protein sequence and biophysical properties (such as structural, functional, and spatial information, amino acid conservation, physicochemical variation, residue mobility, and thermodynamic stability) indicates that this missense variant is not expected to disrupt MYO7A protein function with a negative predictive value of 95%. In summary, the available evidence is currently insufficient to determine the role of this variant in disease. Therefore, it has been classified as a Variant of Uncertain Significance.

Blueprint Genetics
Classification: Uncertain significance. Last evaluated: 2024-09-16. Review status: criteria provided, single submitter. Criteria: ACMG Guidelines, 2015. Collection method: clinical testing. Allele origin: germline.

GeneDx
Classification: Uncertain significance. Last evaluated: 2024-08-08. Review status: criteria provided, single submitter. Criteria: GeneDx Variant Classification Process June 2021. Collection method: clinical testing. Allele origin: germline. Affected: yes.
Comment: Reported in a patient with hearing loss in published literature (PMID: 30733538); In silico analysis indicates that this missense variant does not alter protein structure/function; This variant is associated with the following publications: (PMID: 30733538)

Laboratory for Molecular Medicine, Mass General Brigham Personalized Medicine
Classification: Uncertain significance. Last evaluated: 2015-05-28. Review status: criteria provided, single submitter. Criteria: LMM Criteria. Collection method: clinical testing. Allele origin: germline. Observed: 1 variant allele.
Comment: The p.Arg2031Gln variant in MYO7A has not been previously reported in individual s with hearing loss or Usher syndrome, but has been identified in 1/18592 Europe an chromosomes and 1/2270 East Asian chromosomes by the Exome Aggregation Consor tium (ExAC). Computational prediction tools do n ot provide strong support for or against an impact to the protein. In summary, t he clinical significance of the p.Arg2031Gln variant is uncertain.

Natera, Inc.
Classification: Uncertain significance for Usher syndrome type 1B. Last evaluated: 2020-09-16. Review status: no assertion criteria provided. Collection method: clinical testing. Allele origin: germline. Not counted in ClinVar's aggregate classification.

Counsyl
Classification: Uncertain significance for Usher syndrome type 1; Autosomal recessive nonsyndromic hearing loss 2. Last evaluated: 2016-12-28. Review status: no assertion criteria provided. Collection method: clinical testing. Allele origin: unknown. Not counted in ClinVar's aggregate classification.

Literature cited by the submitters: PubMed 30733538 (cited by Labcorp Genetics (formerly Invitae), Labcorp).

NM_000260.4(MYO7A):c.6092G>A (p.Arg2031Gln)

Gene: MYO7A (myosin VIIA; plus strand). Cytogenetic location: 11q13.5.
Variant type: single nucleotide variant.
Coding change: c.6092G>A on transcript NM_000260.4 (MANE Select); coding-DNA position 6092, G replaced by A.
Protein change: p.Arg2031Gln; replaces arginine 2031 with glutamine.
Molecular consequence: missense variant.
Genome position (GRCh38, 1-based): chr11:77,211,192, G>A. VCF-style: chr11-77211192-G-A. GRCh37 (hg19) VCF-style: chr11-76922237-G-A.
Other names: c.5978G>A, p.Arg1993Gln (NM_001127180.2); c.5945G>A, p.Arg1982Gln (NM_001369365.1); short protein forms R2031Q, R1982Q, R1993Q.
Identifiers: ClinVar variation 229010 (VCV000229010.13), dbSNP rs762258869, ClinGen allele CA6198935.
Genomic context (GRCh38, chr11:77,211,192, plus strand): 5'-ACCTGCTCTGTCTCTGACAGGAGTTGCCCAAGTATCTCCGAGGCTACCACAAGTGCACGC[G>A]GGAGGAGGTGCTGCAGCTGGGGGCGCTGATCTACAGGGTCAAGTTCGAGGAGGACAAGTC-3'
Protein context (NP_000251.3, residues 2021-2041): KYLRGYHKCT[Arg2031Gln]EEVLQLGALI